The following is an entry in ClinVar:

NM_015450.3(POT1):c.923A>T (p.Gln308Leu)

Gene: POT1 (protection of telomeres 1; minus strand). Cytogenetic location: 7q31.33.
Variant type: single nucleotide variant.
Coding change: c.923A>T on transcript NM_015450.3 (MANE Select); coding-DNA position 923, A replaced by T.
Protein change: p.Gln308Leu; replaces glutamine 308 with leucine.
Molecular consequence: missense variant. On other transcripts: non-coding transcript variant (3).
Genome position (GRCh38, 1-based): chr7:124,851,898, T>A on the plus strand (A>T on the coding strand, the complement: POT1 is on the minus strand). VCF-style: chr7-124851898-T-A. GRCh37 (hg19) VCF-style: chr7-124491952-T-A.
Other names: c.530A>T, p.Gln177Leu (NM_001042594.2); short protein forms Q308L, Q177L.
Identifiers: ClinVar variation 2585757 (VCV002585757.2), dbSNP rs1156231311, ClinGen allele CA369054333.
Genomic context (GRCh38, chr7:124,851,898, plus strand): 5'-GAACTAAACTGTCAATGTTAAAGATTATCCTTACTTGGAAAGCTGTCGTCAGGTTCTGAT[T>A]GACAGATAACATCTGAATGCTGATTGGCTGTCAAATTTGCAGATTCTAAATCCCTATAAT-3'
Protein context (NP_056265.2, residues 298-318): TANQHSDVIC[Gln308Leu]SEPDDSFPSS

ClinVar aggregate classification (germline): Uncertain significance (1 of 4 stars; one submission).

Conditions:
Hereditary cancer-predisposing syndrome. Also called: Hereditary neoplastic syndrome; Tumor predisposition; Hereditary Cancer Syndrome; Neoplastic Syndromes, Hereditary. Identifiers: Orphanet 140162, MedGen C0027672, MeSH D009386, MONDO:0015356.

Submission:

Ambry Genetics
Classification: Uncertain significance for Hereditary cancer-predisposing syndrome. Last evaluated: 2023-06-30. Review status: criteria provided, single submitter. Criteria: Ambry Variant Classification Scheme 2023. Collection method: clinical testing. Allele origin: germline.
Comment: The p.Q308L variant (also known as c.923A>T), located in coding exon 7 of the POT1 gene, results from an A to T substitution at nucleotide position 923. The glutamine at codon 308 is replaced by leucine, an amino acid with dissimilar properties. This amino acid position is conserved. In addition, this alteration is predicted to be tolerated by in silico analysis. Since supporting evidence is limited at this time, the clinical significance of this alteration remains unclear.